The following is an entry in ClinVar:

ClinVar aggregate classification (germline): Uncertain significance (1 of 4 stars; one submission).

Conditions:
Inborn genetic diseases. Identifiers: MedGen C0950123, MeSH D030342.

Allele frequency attached by ClinVar (database versions not stated): gnomAD exomes below 0.00001; TOPMed below 0.00001; ExAC 0.00001; gnomAD 0.00002.
gnomAD v4.1: 5 of 1,613,730 alleles (0.00031%); highest among the groups gnomAD compares: African/African-American, 0.0053%; no homozygotes.

Submission:

Ambry Genetics
Classification: Uncertain significance for Inborn genetic diseases. Last evaluated: 2024-04-01. Review status: criteria provided, single submitter. Criteria: Ambry Variant Classification Scheme 2023. Collection method: clinical testing. Allele origin: germline.
Comment: The p.V296M variant (also known as c.886G>A), located in coding exon 8 of the LRRK2 gene, results from a G to A substitution at nucleotide position 886. The valine at codon 296 is replaced by methionine, an amino acid with highly similar properties. This amino acid position is conserved. In addition, the in silico prediction for this alteration is inconclusive. Since supporting evidence is limited at this time, the clinical significance of this alteration remains unclear.

NM_198578.4(LRRK2):c.886G>A (p.Val296Met)

Gene: LRRK2 (leucine rich repeat kinase 2; plus strand). Cytogenetic location: 12q12.
Variant type: single nucleotide variant.
Coding change: c.886G>A on transcript NM_198578.4 (MANE Select); coding-DNA position 886, G replaced by A.
Protein change: p.Val296Met; replaces valine 296 with methionine.
Molecular consequence: missense variant.
Genome position (GRCh38, 1-based): chr12:40,249,873, G>A. VCF-style: chr12-40249873-G-A. GRCh37 (hg19) VCF-style: chr12-40643675-G-A.
Other names: short protein forms V296M.
Identifiers: ClinVar variation 1764943 (VCV001764943.3), dbSNP rs750899927, ClinGen allele CA6513232.
Genomic context (GRCh38, chr12:40,249,873, plus strand): 5'-ACTTAACTTTTAGGTAATTTTTTCAATATCCTGGTATTAAACGAAGTCCATGAGTTTGTG[G>A]TGAAAGCTGTGCAGCAGTACCCAGAGAATGCAGCATTGCAGATCTCAGCGCTCAGCTGTT-3'
Protein context (NP_940980.4, residues 286-306): LVLNEVHEFV[Val296Met]KAVQQYPENA